The following is an entry in ClinVar:

ClinVar aggregate classification (germline): Likely benign. Review status: criteria provided, multiple submitters, no conflicts (2 of 4 stars). 3 submissions from 3 submitters: Likely benign (3). Last evaluated 2024-09-19.

Conditions:
Hereditary cancer-predisposing syndrome. Also called: Hereditary neoplastic syndrome; Tumor predisposition; Neoplastic Syndromes, Hereditary; Hereditary Cancer Syndrome. Identifiers: Orphanet 140162, MedGen C0027672, MeSH D009386, MONDO:0015356.
Retinoblastoma (RB1). Also called: RETINOBLASTOMA, SOMATIC. Identifiers: Orphanet 790, MedGen C0035335, MeSH D012175, MONDO:0008380, OMIM 180200, HP:0009919. Disease mechanism: loss of function. Inheritance: Both sporadic and heritable forms are tested..

Allele frequency attached by ClinVar (database versions not stated): gnomAD exomes below 0.00001.
gnomAD v4.1: 4 of 1,612,370 alleles (0.00025%); highest among the groups gnomAD compares: Non-Finnish European, 0.00034%; no homozygotes.

Submissions (3):

Labcorp Genetics (formerly Invitae), Labcorp
Classification: Likely benign for Retinoblastoma. Last evaluated: 2024-09-19. Review status: criteria provided, single submitter. Criteria: Invitae Variant Classification Sherloc (09022015). Collection method: clinical testing. Allele origin: germline.

All of Us Research Program, National Institutes of Health
Classification: Likely benign for Retinoblastoma. Last evaluated: 2023-08-28. Review status: criteria provided, single submitter. Criteria: ACMG Guidelines, 2015. Collection method: clinical testing. Allele origin: germline. Inheritance: Autosomal dominant inheritance. Observed: 1 variant allele, 1 heterozygote.
Comment: This study involves interpretation of variants in research participants for the purpose of population health screening. Participant phenotype was not available at the time of variant classification. Additional details can be found in publication PMID: 35346344, PMCID: PMC8962531

Ambry Genetics
Classification: Likely benign for Hereditary cancer-predisposing syndrome. Last evaluated: 2022-12-04. Review status: criteria provided, single submitter. Criteria: Ambry Variant Classification Scheme 2023. Collection method: clinical testing. Allele origin: germline.

NM_000321.3(RB1):c.1353C>T (p.Arg451=)

Gene: RB1 (RB transcriptional corepressor 1; plus strand). Cytogenetic location: 13q14.2.
Variant type: single nucleotide variant.
Coding change: c.1353C>T on transcript NM_000321.3 (MANE Select); coding-DNA position 1353, C replaced by T.
Protein change: p.Arg451=; no amino-acid change (arginine 451 retained).
Molecular consequence: synonymous variant.
Genome position (GRCh38, 1-based): chr13:48,379,614, C>T. VCF-style: chr13-48379614-C-T. GRCh37 (hg19) VCF-style: chr13-48953750-C-T.
Other names: c.1353C>T (NM_000321.2).
Identifiers: ClinVar variation 1547571 (VCV001547571.10), dbSNP rs912889209, ClinGen allele CA249281156.